The following is an entry in ClinVar:

NM_000498.3(CYP11B2):c.605T>G (p.Leu202Ter)

Genes: CYP11B2 (cytochrome P450 family 11 subfamily B member 2; minus strand), LOC106799834 (CYP11B2 recombination region; plus strand). Cytogenetic location: 8q24.3.
Variant type: single nucleotide variant.
Coding change: c.605T>G on transcript NM_000498.3 (MANE Select); coding-DNA position 605, T replaced by G.
Protein change: p.Leu202Ter; replaces leucine 202 with a stop codon.
Molecular consequence: nonsense.
Genome position (GRCh38, 1-based): chr8:142,914,899, A>C on the plus strand (T>G on the coding strand, the complement: CYP11B2 is on the minus strand). VCF-style: chr8-142914899-A-C. GRCh37 (hg19) VCF-style: chr8-143996315-A-C.
Other names: short protein forms L202*.
Identifiers: ClinVar variation 4818608 (VCV004818608.1).

ClinVar aggregate classification (germline): Likely pathogenic (1 of 4 stars; one submission).

Conditions:
Corticosterone methyl oxidase type II deficiency.

Submission:

Natera, Inc.
Classification: Likely pathogenic for Corticosterone methyl oxidase type II deficiency. Last evaluated: 2025-09-20. Review status: criteria provided, single submitter. Criteria: Natera Variant Classification Schema (03/2026). Collection method: clinical testing. Allele origin: germline.
Comment: The c.605T>G variant in CYP11B2 is a nonsense variant predicted to introduce a stop codon at amino acid 202. This variant is expected to result in nonsense mediated decay, truncation, or a dysfunctional protein product. This variant is rare in the general population with a frequency below the threshold expected for the associated phenotype(s). Given the available evidence, this variant is classified as Likely Pathogenic.